The following is an entry in ClinVar:

NM_001351132.2(PEX5):c.1279dup (p.Arg427fs)

Gene: PEX5 (peroxisomal biogenesis factor 5; plus strand). Cytogenetic location: 12p13.31.
Variant type: Duplication.
Coding change: c.1279dup on transcript NM_001351132.2 (MANE Select); coding-DNA position 1279, one base duplicated (C; older notation c.1279dupC).
Protein change: p.Arg427fs; shifts the reading frame from arginine 427.
Molecular consequence: frameshift variant.
Genome position (GRCh38, 1-based): chr12:7,208,554, C duplicated. VCF-style (leftmost placement, unchanged base first): chr12-7208553-A-AC. GRCh37 (hg19) VCF-style: chr12-7361149-A-AC.
Other names: c.1279dup, p.Arg427fs (NM_001131025.2, NM_001131026.2, NM_001300789.3 and 4 more transcripts); c.1168dup, p.Arg390fs (NM_001351124.3, NM_001351126.2, NM_001351127.2 and 7 more transcripts); c.1213dup, p.Arg405fs (NM_001351135.3, NM_001351138.2); c.1270dup, p.Arg424fs (NM_001351136.2); c.1144dup, p.Arg382fs (NM_001351139.2, NM_001351140.2, NM_001374649.2); c.1255dup, p.Arg419fs (NM_000319.5); c.1324dup, p.Arg442fs (NM_001131023.2); short protein forms R390fs, R382fs, R405fs, R427fs, R442fs, R419fs, R424fs.
Identifiers: ClinVar variation 2769438 (VCV002769438.3), dbSNP rs759789707, ClinGen allele CA6426414.

ClinVar aggregate classification (germline): Pathogenic (1 of 4 stars; one submission).

Conditions:
Peroxisome biogenesis disorder 2B (PBD2B). Identifiers: Orphanet 44, MedGen C3550234, MONDO:0008736, OMIM 202370.

Allele frequency attached by ClinVar (database versions not stated): ExAC 0.00001.

Submission:

Labcorp Genetics (formerly Invitae), Labcorp
Classification: Pathogenic for Peroxisome biogenesis disorder 2B. Last evaluated: 2025-05-29. Review status: criteria provided, single submitter. Criteria: Invitae Variant Classification Sherloc (09022015). Collection method: clinical testing. Allele origin: germline.
Comment: This sequence change creates a premature translational stop signal (p.Arg427Profs*18) in the PEX5 gene. It is expected to result in an absent or disrupted protein product. Loss-of-function variants in PEX5 are known to be pathogenic (PMID: 18712838, 21031596). This variant is present in population databases (rs759789707, gnomAD 0.0009%). This variant has not been reported in the literature in individuals affected with PEX5-related conditions. ClinVar contains an entry for this variant (Variation ID: 2769438). For these reasons, this variant has been classified as Pathogenic.

Literature cited by the submitters: PubMed 18712838; PubMed 21031596.